The following is an entry in ClinVar:

ClinVar aggregate classification (germline): Uncertain significance (1 of 4 stars; one submission).

Conditions:
Hereditary cancer-predisposing syndrome. Also called: Neoplastic Syndromes, Hereditary; Tumor predisposition; Hereditary neoplastic syndrome; Hereditary Cancer Syndrome. Identifiers: Orphanet 140162, MedGen C0027672, MeSH D009386, MONDO:0015356.

Submission:

Ambry Genetics
Classification: Uncertain significance for Hereditary cancer-predisposing syndrome. Last evaluated: 2026-07-06. Review status: criteria provided, single submitter. Criteria: Ambry Variant Classification Scheme 2023. Collection method: clinical testing. Allele origin: germline.
Comment: The p.T549I variant (also known as c.1646C>T), located in coding exon 13 of the PTCH1 gene, results from a C to T substitution at nucleotide position 1646. The threonine at codon 549 is replaced by isoleucine, an amino acid with similar properties. This amino acid position is conserved. In addition, the in silico prediction for this alteration is inconclusive. Based on the available evidence, the clinical significance of this variant remains unclear.

NM_000264.5(PTCH1):c.1844C>T (p.Thr615Ile)

Genes: PTCH1 (patched 1; minus strand), LOC100507346 (uncharacterized LOC100507346; plus strand). Cytogenetic location: 9q22.32.
Variant type: single nucleotide variant.
Coding change: c.1844C>T on transcript NM_000264.5 (MANE Select); coding-DNA position 1844, C replaced by T.
Protein change: p.Thr615Ile; replaces threonine 615 with isoleucine.
Molecular consequence: missense variant. On other transcripts: non-coding transcript variant (2).
Genome position (GRCh38, 1-based): chr9:95,469,816, G>A on the plus strand (C>T on the coding strand, the complement: PTCH1 is on the minus strand). VCF-style: chr9-95469816-G-A. GRCh37 (hg19) VCF-style: chr9-98232098-G-A.
Other names: c.1646C>T, p.Thr549Ile (NM_001083602.3); c.1841C>T, p.Thr614Ile (NM_001083603.3); c.1391C>T, p.Thr464Ile (NM_001083604.3, NM_001083605.3, NM_001083606.3 and 1 more transcripts); c.1688C>T, p.Thr563Ile (NM_001354918.2); short protein forms T614I, T549I, T563I, T464I, T615I.
Identifiers: ClinVar variation 5027468 (VCV005027468.1).